The following is an entry in ClinVar:

NM_001458.5(FLNC):c.2143G>T (p.Asp715Tyr)

Genes: FLNC (filamin C; plus strand), LOC129999273 (ATAC-STARR-seq lymphoblastoid silent region 18616; plus strand). Cytogenetic location: 7q32.1.
Variant type: single nucleotide variant.
Coding change: c.2143G>T on transcript NM_001458.5 (MANE Select); coding-DNA position 2143, G replaced by T.
Protein change: p.Asp715Tyr; replaces aspartic acid 715 with tyrosine.
Molecular consequence: missense variant.
Genome position (GRCh38, 1-based): chr7:128,842,252, G>T. VCF-style: chr7-128842252-G-T. GRCh37 (hg19) VCF-style: chr7-128482306-G-T.
Other names: c.2143G>T, p.Asp715Tyr (NM_001127487.2); short protein forms D715Y.
Identifiers: ClinVar variation 4812602 (VCV004812602.1).
Genomic context (GRCh38, chr7:128,842,252, plus strand): 5'-AGGCCACAGCTATGAACTTTGCTTGGGTGATGCCCACAGGACGCCGACGGCTGTCCCATC[G>T]ACATCAAGGTGATCCCCAACGGCGACGGCACCTTCCGCTGCTCCTACGTGCCCACCAAGC-3'
Protein context (NP_001449.3, residues 705-725): YAQDADGCPI[Asp715Tyr]IKVIPNGDGT

ClinVar aggregate classification (germline): Uncertain significance (1 of 4 stars; one submission).

Conditions:
Hypertrophic cardiomyopathy 26. Also called: Cardiomyopathy, familial hypertrophic, 26. Identifiers: Orphanet 75249, MedGen C4310749, MONDO:0014883, OMIM 617047.
Myofibrillar myopathy 5. Also called: Filaminopathy (type); FILAMINOPATHY, AUTOSOMAL DOMINANT. Identifiers: Orphanet 171445, MedGen C1836050, MONDO:0012289, OMIM 609524.
Distal myopathy with posterior leg and anterior hand involvement. Also called: WILLIAMS DISTAL MYOPATHY. Identifiers: Orphanet 63273, MedGen C3279722, MONDO:0013550, OMIM 614065.

gnomAD v4.1: 9 of 1,613,706 alleles (0.00056%); highest among the groups gnomAD compares: Non-Finnish European, 0.00076%; no homozygotes.

Submission:

Labcorp Genetics (formerly Invitae), Labcorp
Classification: Uncertain significance for Distal myopathy with posterior leg and anterior hand involvement; Myofibrillar myopathy 5; Hypertrophic cardiomyopathy 26. Last evaluated: 2025-09-10. Review status: criteria provided, single submitter. Criteria: Invitae Variant Classification Sherloc (09022015). Collection method: clinical testing. Allele origin: germline.
Comment: This sequence change replaces aspartic acid, which is acidic and polar, with tyrosine, which is neutral and polar, at codon 715 of the FLNC protein (p.Asp715Tyr). This variant is not present in population databases (gnomAD no frequency). This variant has not been reported in the literature in individuals affected with FLNC-related conditions. Invitae Evidence Modeling of protein sequence and biophysical properties (such as structural, functional, and spatial information, amino acid conservation, physicochemical variation, residue mobility, and thermodynamic stability) has been performed for this missense variant. However, the output from this modeling did not meet the statistical confidence thresholds required to predict the impact of this variant on FLNC protein function. In summary, the available evidence is currently insufficient to determine the role of this variant in disease. Therefore, it has been classified as a Variant of Uncertain Significance.